The following is an entry in ClinVar:

NM_003995.4(NPR2):c.1849T>C (p.Trp617Arg)

Gene: NPR2 (natriuretic peptide receptor 2; plus strand). Cytogenetic location: 9p13.3.
Variant type: single nucleotide variant.
Coding change: c.1849T>C on transcript NM_003995.4 (MANE Select); coding-DNA position 1849, T replaced by C.
Protein change: p.Trp617Arg; replaces tryptophan 617 with arginine.
Molecular consequence: missense variant.
Genome position (GRCh38, 1-based): chr9:35,802,765, T>C. VCF-style: chr9-35802765-T-C. GRCh37 (hg19) VCF-style: chr9-35802762-T-C.
Other names: c.1858T>C, p.Trp620Arg (NM_001378923.1); short protein forms W620R, W617R.
Identifiers: ClinVar variation 2068530 (VCV002068530.4), dbSNP rs1828224092, ClinGen allele CA373375305.

ClinVar aggregate classification (germline): Uncertain significance (1 of 4 stars; one submission).

Conditions:
Tall stature-scoliosis-macrodactyly of the great toes syndrome. Also called: Epiphyseal chondrodysplasia, miura type. Identifiers: Orphanet 329191, MedGen C4014690, MONDO:0014401, OMIM 615923.
Acromesomelic dysplasia 1, Maroteaux type (AMD1). Also called: ACROMESOMELIC DYSPLASIA 1; ST. HELENA DYSPLASIA. Identifiers: Orphanet 40, MedGen C1864356, MONDO:0011275, OMIM 602875.

Submission:

Labcorp Genetics (formerly Invitae), Labcorp
Classification: Uncertain significance for Tall stature-scoliosis-macrodactyly of the great toes syndrome; Acromesomelic dysplasia 1, Maroteaux type. Last evaluated: 2022-07-01. Review status: criteria provided, single submitter. Criteria: Invitae Variant Classification Sherloc (09022015). Collection method: clinical testing. Allele origin: germline.
Comment: In summary, the available evidence is currently insufficient to determine the role of this variant in disease. Therefore, it has been classified as a Variant of Uncertain Significance. Algorithms developed to predict the effect of missense changes on protein structure and function (SIFT, PolyPhen-2, Align-GVGD) all suggest that this variant is likely to be disruptive. This variant has not been reported in the literature in individuals affected with NPR2-related conditions. This variant is not present in population databases (gnomAD no frequency). This sequence change replaces tryptophan, which is neutral and slightly polar, with arginine, which is basic and polar, at codon 617 of the NPR2 protein (p.Trp617Arg).